The following is an entry in ClinVar:

NM_001184.4(ATR):c.2145C>T (p.Val715=)

Gene: ATR (ATR checkpoint kinase; minus strand). Cytogenetic location: 3q23.
Variant type: single nucleotide variant.
Coding change: c.2145C>T on transcript NM_001184.4 (MANE Select); coding-DNA position 2145, C replaced by T.
Protein change: p.Val715=; no amino-acid change (valine 715 retained).
Molecular consequence: synonymous variant.
Genome position (GRCh38, 1-based): chr3:142,556,073, G>A on the plus strand (C>T on the coding strand, the complement: ATR is on the minus strand). VCF-style: chr3-142556073-G-A. GRCh37 (hg19) VCF-style: chr3-142274915-G-A.
Other names: c.1953C>T, p.Val651= (NM_001354579.2).
Identifiers: ClinVar variation 1786643 (VCV001786643.9), dbSNP rs753784886, ClinGen allele CA2650416.

ClinVar aggregate classification (germline): Likely benign. Review status: criteria provided, multiple submitters, no conflicts (2 of 4 stars). 2 submissions from 2 submitters: Likely benign (2). Last evaluated 2025-04-01.

Conditions:
Inborn genetic diseases. Identifiers: MedGen C0950123, MeSH D030342.

Allele frequency attached by ClinVar (database versions not stated): gnomAD exomes below 0.00001; ExAC 0.00001.

Submissions (2):

CeGaT Center for Human Genetics Tuebingen
Classification: Likely benign. Last evaluated: 2025-04-01. Review status: criteria provided, single submitter. Criteria: CeGaT Center For Human Genetics Tuebingen Variant Classification Criteria Version 2. Collection method: clinical testing. Allele origin: germline. Affected: yes. Observed: 1 variant allele.
Comment: ATR: BP4, BP7

Ambry Genetics
Classification: Likely benign for Inborn genetic diseases. Last evaluated: 2022-06-21. Review status: criteria provided, single submitter. Criteria: Ambry Variant Classification Scheme 2023. Collection method: clinical testing. Allele origin: germline.